The following is an entry in ClinVar:

NM_000051.4(ATM):c.4754G>A (p.Arg1585Lys)

Gene: ATM (ATM serine/threonine kinase; plus strand). Cytogenetic location: 11q22.3.
Variant type: single nucleotide variant.
Coding change: c.4754G>A on transcript NM_000051.4 (MANE Select); coding-DNA position 4754, G replaced by A.
Protein change: p.Arg1585Lys; replaces arginine 1585 with lysine.
Molecular consequence: missense variant.
Genome position (GRCh38, 1-based): chr11:108,293,455, G>A. VCF-style: chr11-108293455-G-A. GRCh37 (hg19) VCF-style: chr11-108164182-G-A.
Other names: c.4754G>A, p.Arg1585Lys (NM_001351834.2); short protein forms R1585K.
Identifiers: ClinVar variation 2568197 (VCV002568197.2), dbSNP rs2135813524, ClinGen allele CA382535126.

ClinVar aggregate classification (germline): Uncertain significance (1 of 4 stars; one submission).

Conditions:
Hereditary cancer-predisposing syndrome. Also called: Hereditary neoplastic syndrome; Hereditary Cancer Syndrome; Neoplastic Syndromes, Hereditary; Tumor predisposition. Identifiers: Orphanet 140162, MedGen C0027672, MeSH D009386, MONDO:0015356.

Submission:

Ambry Genetics
Classification: Uncertain significance for Hereditary cancer-predisposing syndrome. Last evaluated: 2023-04-19. Review status: criteria provided, single submitter. Criteria: Ambry Variant Classification Scheme 2023. Collection method: clinical testing. Allele origin: germline.
Comment: The p.R1585K variant (also known as c.4754G>A), located in coding exon 30 of the ATM gene, results from a G to A substitution at nucleotide position 4754. The arginine at codon 1585 is replaced by lysine, an amino acid with highly similar properties. This amino acid position is conserved. In addition, this alteration is predicted to be tolerated by in silico analysis. Since supporting evidence is limited at this time, the clinical significance of this alteration remains unclear.